The following is an entry in ClinVar:

NM_001035.3(RYR2):c.8014G>C (p.Val2672Leu)

Gene: RYR2 (ryanodine receptor 2; plus strand). Cytogenetic location: 1q43.
Variant type: single nucleotide variant.
Coding change: c.8014G>C on transcript NM_001035.3 (MANE Select); coding-DNA position 8014, G replaced by C.
Protein change: p.Val2672Leu; replaces valine 2672 with leucine.
Molecular consequence: missense variant.
Genome position (GRCh38, 1-based): chr1:237,655,869, G>C. VCF-style: chr1-237655869-G-C. GRCh37 (hg19) VCF-style: chr1-237819169-G-C.
Other names: c.8014G>C (NM_001035.2); short protein forms V2672L.
Identifiers: ClinVar variation 919614 (VCV000919614.11), dbSNP rs1467546989, ClinGen allele CA345400832.

ClinVar aggregate classification (germline): Uncertain significance. Review status: criteria provided, multiple submitters, no conflicts (2 of 4 stars). 5 submissions from 5 submitters: Uncertain significance (5). Last evaluated 2025-12-26.

Conditions:
Cardiovascular phenotype. Identifiers: MedGen CN230736.
Cardiomyopathy (CMYO). Also called: Cardiomyopathies. Identifiers: Orphanet 167848, MedGen C0878544, MONDO:0004994, HP:0001638. Inheritance: Various modes of inheritance.
Catecholaminergic polymorphic ventricular tachycardia (CVPT). Also called: Catecholamine-induced polymorphic ventricular tachycardia. Identifiers: Orphanet 3286, MedGen C5574922, MONDO:0017990.
Catecholaminergic polymorphic ventricular tachycardia 1. Also called: RYR2-Related Catecholaminergic Polymorphic Ventricular Tachycardia; VENTRICULAR TACHYCARDIA, STRESS-INDUCED POLYMORPHIC 1; VENTRICULAR TACHYCARDIA, CATECHOLAMINERGIC POLYMORPHIC, 1, WITH OR WITHOUT ATRIAL DYSFUNCTION AND/OR DILATED CARDIOMYOPATHY. Identifiers: Orphanet 3286, MedGen C1631597, MONDO:0011484, OMIM 604772.

Allele frequency attached by ClinVar (database versions not stated): gnomAD exomes below 0.00001 and 0.00001.
gnomAD v4.1: 4 of 1,609,282 alleles (0.00025%); highest among the groups gnomAD compares: Non-Finnish European, 0.00034%; no homozygotes.

Submissions (5):

Color Diagnostics, LLC DBA Color Health
Classification: Uncertain significance for Cardiomyopathy. Last evaluated: 2025-12-26. Review status: criteria provided, single submitter. Criteria: ACMG Guidelines, 2015. Collection method: clinical testing. Allele origin: germline.
Comment: This missense variant replaces valine with leucine at codon 2672 of the RYR2 protein. Computational prediction is inconclusive regarding the impact of this variant on protein structure and function. To our knowledge, functional studies have not been reported for this variant. This variant has not been reported in individuals affected with RYR2-related disorders in the literature. This variant has been identified in 1/241092 chromosomes in the general population by the Genome Aggregation Database (gnomAD). The available evidence is insufficient to determine the role of this variant in disease conclusively. Therefore, this variant is classified as a Variant of Uncertain Significance.

Ambry Genetics
Classification: Uncertain significance for Cardiovascular phenotype. Last evaluated: 2025-12-15. Review status: criteria provided, single submitter. Criteria: Ambry Variant Classification Scheme 2023. Collection method: clinical testing. Allele origin: germline.
Comment: The p.V2672L variant (also known as c.8014G>C), located in coding exon 53 of the RYR2 gene, results from a G to C substitution at nucleotide position 8014. The valine at codon 2672 is replaced by leucine, an amino acid with highly similar properties. This amino acid position is well conserved in available vertebrate species. In addition, the in silico prediction for this alteration is inconclusive. Based on the available evidence, the clinical significance of this variant remains unclear.

All of Us Research Program, National Institutes of Health
Classification: Uncertain significance for Catecholaminergic polymorphic ventricular tachycardia. Last evaluated: 2023-12-01. Review status: criteria provided, single submitter. Criteria: ACMG Guidelines, 2015. Collection method: clinical testing. Allele origin: germline. Inheritance: Autosomal dominant inheritance. Observed: 3 variant alleles, 3 heterozygotes.
Comment: This missense variant replaces valine with leucine at codon 2672 of the RYR2 protein. Computational prediction tools and conservation analyses are inconclusive regarding the impact of this variant on protein function. Computational splicing tools suggest that this variant may not impact RNA splicing. To our knowledge, functional assays have not been performed for this variant nor has this variant been reported in individuals affected with cardiovascular disorders in the literature. This variant has been identified in 1/241092 chromosomes in the general population by the Genome Aggregation Database (gnomAD). Available evidence is insufficient to determine the role of this variant in disease conclusively. Therefore, this variant is classified as a Variant of Uncertain Significance.

This study involves interpretation of variants in research participants for the purpose of population health screening. Participant phenotype was not available at the time of variant classification. Additional details can be found in publication PMID: 35346344, PMCID: PMC8962531

Blueprint Genetics
Classification: Uncertain significance. Last evaluated: 2022-11-24. Review status: criteria provided, single submitter. Criteria: ACMG Guidelines, 2015. Collection method: clinical testing. Allele origin: germline.

Labcorp Genetics (formerly Invitae), Labcorp
Classification: Uncertain significance for Catecholaminergic polymorphic ventricular tachycardia 1. Last evaluated: 2022-09-13. Review status: criteria provided, single submitter. Criteria: Invitae Variant Classification Sherloc (09022015). Collection method: clinical testing. Allele origin: germline.
Comment: This sequence change replaces valine, which is neutral and non-polar, with leucine, which is neutral and non-polar, at codon 2672 of the RYR2 protein (p.Val2672Leu). This variant is present in population databases (no rsID available, gnomAD 0.0009%). This variant has not been reported in the literature in individuals affected with RYR2-related conditions. ClinVar contains an entry for this variant (Variation ID: 919614). Advanced modeling of protein sequence and biophysical properties (such as structural, functional, and spatial information, amino acid conservation, physicochemical variation, residue mobility, and thermodynamic stability) performed at Invitae indicates that this missense variant is not expected to disrupt RYR2 protein function. In summary, the available evidence is currently insufficient to determine the role of this variant in disease. Therefore, it has been classified as a Variant of Uncertain Significance.